The following is an entry in ClinVar:

ClinVar aggregate classification (germline): Uncertain significance. Review status: criteria provided, multiple submitters, no conflicts (2 of 4 stars). 2 submissions from 2 submitters: Uncertain significance (2). Last evaluated 2024-06-17.

Conditions:
Inborn genetic diseases. Identifiers: MedGen C0950123, MeSH D030342.

Allele frequency attached by ClinVar (database versions not stated): gnomAD exomes 0.00006; ExAC 0.00008.
gnomAD v4.1: 108 of 1,611,312 alleles (0.0067%); highest among the groups gnomAD compares: Middle Eastern, 0.017%; no homozygotes.

Submissions (2):

Ambry Genetics
Classification: Uncertain significance for Inborn genetic diseases. Last evaluated: 2024-06-17. Review status: criteria provided, single submitter. Criteria: Ambry Variant Classification Scheme 2023. Collection method: clinical testing. Allele origin: germline.

Labcorp Genetics (formerly Invitae), Labcorp
Classification: Uncertain significance. Last evaluated: 2024-01-22. Review status: criteria provided, single submitter. Criteria: Invitae Variant Classification Sherloc (09022015). Collection method: clinical testing. Allele origin: germline.
Comment: This sequence change replaces aspartic acid, which is acidic and polar, with glycine, which is neutral and non-polar, at codon 331 of the ADAMTSL4 protein (p.Asp331Gly). This variant is present in population databases (rs768078661, gnomAD 0.01%). This variant has not been reported in the literature in individuals affected with ADAMTSL4-related conditions. ClinVar contains an entry for this variant (Variation ID: 1346252). Advanced modeling of protein sequence and biophysical properties (such as structural, functional, and spatial information, amino acid conservation, physicochemical variation, residue mobility, and thermodynamic stability) performed at Invitae indicates that this missense variant is not expected to disrupt ADAMTSL4 protein function with a negative predictive value of 80%. In summary, the available evidence is currently insufficient to determine the role of this variant in disease. Therefore, it has been classified as a Variant of Uncertain Significance.

NM_019032.6(ADAMTSL4):c.992A>G (p.Asp331Gly)

Genes: ADAMTSL4 (ADAMTS like 4; plus strand), ADAMTSL4-AS2 (ADAMTSL4 antisense RNA 2; minus strand). Cytogenetic location: 1q21.2.
Variant type: single nucleotide variant.
Coding change: c.992A>G on transcript NM_019032.6 (MANE Select); coding-DNA position 992, A replaced by G.
Protein change: p.Asp331Gly; replaces aspartic acid 331 with glycine.
Molecular consequence: missense variant.
Genome position (GRCh38, 1-based): chr1:150,553,983, A>G. VCF-style: chr1-150553983-A-G. GRCh37 (hg19) VCF-style: chr1-150526459-A-G.
Other names: c.992A>G, p.Asp331Gly (NM_001288607.2, NM_001288608.2, NM_001378596.1 and 1 more transcripts); c.992A>G (NM_019032.4); short protein forms D331G.
Identifiers: ClinVar variation 1346252 (VCV001346252.5), dbSNP rs768078661, ClinGen allele CA1078092.
Genomic context (GRCh38, chr1:150,553,983, plus strand): 5'-AGCAGGGCCAAGGGCCTTGGGGAACGGGGGGGACTCCTCACGGGCCCCGCCTGGAGCCTG[A>G]CCCTCAGCACCCGGGCGCCTGGCTGCCCCTGCTGAGCAACGGCCCCCATGCCAGCTCCCT-3'
Protein context (NP_061905.2, residues 321-341): GTPHGPRLEP[Asp331Gly]PQHPGAWLPL